The following is an entry in ClinVar:

NM_000257.4(MYH7):c.1665C>G (p.Asn555Lys)

Gene: MYH7 (myosin heavy chain 7; minus strand). Cytogenetic location: 14q11.2.
Variant type: single nucleotide variant.
Coding change: c.1665C>G on transcript NM_000257.4 (MANE Select); coding-DNA position 1665, C replaced by G.
Protein change: p.Asn555Lys; replaces asparagine 555 with lysine.
Molecular consequence: missense variant.
Genome position (GRCh38, 1-based): chr14:23,427,808, G>C on the plus strand (C>G on the coding strand, the complement: MYH7 is on the minus strand). VCF-style: chr14-23427808-G-C. GRCh37 (hg19) VCF-style: chr14-23897017-G-C.
Other names: c.1665C>G, p.Asn555Lys (NM_001407004.1); short protein forms N555K.
Identifiers: ClinVar variation 3387350 (VCV003387350.2).
Genomic context (GRCh38, chr14:23,427,808, plus strand): 5'-GGCTTCAGGCTTCCCCTTGATATTGCGTGGCTTCTGGAAGTTGGCGGATTTGCCCAGGTG[G>C]TTGTCAAACAGCTTGGCCTTGAAGGTCATGTCGGTGGCCTTGGGGAACATGCACTCCTCT-3'
Protein context (NP_000248.2, residues 545-565): DMTFKAKLFD[Asn555Lys]HLGKSANFQK

ClinVar aggregate classification (germline): Uncertain significance. Review status: criteria provided, multiple submitters, no conflicts (2 of 4 stars). 2 submissions from 2 submitters: Uncertain significance (2). Last evaluated 2025-06-10.

Conditions:
Cardiomyopathy (CMYO). Also called: Cardiomyopathies. Identifiers: Orphanet 167848, MedGen C0878544, MONDO:0004994, HP:0001638. Inheritance: Various modes of inheritance.

Submissions (2):

Color Diagnostics, LLC DBA Color Health
Classification: Uncertain significance for Cardiomyopathy. Last evaluated: 2025-06-10. Review status: criteria provided, single submitter. Criteria: ACMG Guidelines, 2015. Collection method: clinical testing. Allele origin: germline.
Comment: This missense variant replaces asparagine with lysine at codon 555 of the MYH7 protein. Computational prediction suggests that this variant may not impact protein structure and function. To our knowledge, functional studies have not been reported for this variant. This variant has been reported in three individuals from one family affected with dilated cardiomyopathy (PMID: 34384838, 39494569). This variant has not been identified in the general population by the Genome Aggregation Database (gnomAD). The available evidence is insufficient to determine the role of this variant in disease conclusively. Therefore, this variant is classified as a Variant of Uncertain Significance.

All of Us Research Program, National Institutes of Health
Classification: Uncertain significance for Cardiomyopathy. Last evaluated: 2024-03-05. Review status: criteria provided, single submitter. Criteria: ACMG Guidelines, 2015. Collection method: clinical testing. Allele origin: germline. Inheritance: Autosomal dominant inheritance. Observed: 1 variant allele, 1 heterozygote.
Comment: This study involves interpretation of variants in research participants for the purpose of population health screening. Participant phenotype was not available at the time of variant classification. Additional details can be found in publication PMID: 35346344, PMCID: PMC8962531

Literature cited by the submitters: PubMed 34384838 (cited by Color Diagnostics, LLC DBA Color Health); PubMed 39494569 (cited by Color Diagnostics, LLC DBA Color Health).